The following is an entry in ClinVar:

ClinVar aggregate classification (germline): Uncertain significance (1 of 4 stars; one submission).

Submission:

GeneDx
Classification: Uncertain significance. Last evaluated: 2026-02-20. Review status: criteria provided, single submitter. Criteria: GeneDx Variant Classification Process June 2021. Collection method: clinical testing. Allele origin: germline.
Comment: Not observed at significant frequency in large population cohorts (gnomAD); In silico analysis suggests that this missense variant does not alter protein structure/function; Has not been previously published as pathogenic or benign to our knowledge

NM_002911.4(UPF1):c.1117C>G (p.Leu373Val)

Gene: UPF1 (UPF1 RNA helicase and ATPase; plus strand). Cytogenetic location: 19p13.11.
Variant type: single nucleotide variant.
Coding change: c.1117C>G on transcript NM_002911.4 (MANE Select); coding-DNA position 1117, C replaced by G.
Protein change: p.Leu373Val; replaces leucine 373 with valine.
Molecular consequence: missense variant.
Genome position (GRCh38, 1-based): chr19:18,853,311, C>G. VCF-style: chr19-18853311-C-G. GRCh37 (hg19) VCF-style: chr19-18964120-C-G.
Other names: c.1150C>G, p.Leu384Val (NM_001297549.2); short protein forms L373V, L384V.
Identifiers: ClinVar variation 5009928 (VCV005009928.1).